The following is an entry in ClinVar:

NM_004447.6(EPS8):c.937+99G>A

Gene: EPS8 (EGFR pathway substrate 8, signaling adaptor; minus strand). Cytogenetic location: 12p12.3.
Variant type: single nucleotide variant.
Coding change: c.937+99G>A on transcript NM_004447.6 (MANE Select); 99 bases into the intron after coding-DNA position 937, G replaced by A.
Molecular consequence: intron variant.
Genome position (GRCh38, 1-based): chr12:15,660,515, C>T on the plus strand (G>A on the coding strand, the complement: EPS8 is on the minus strand). VCF-style: chr12-15660515-C-T. GRCh37 (hg19) VCF-style: chr12-15813449-C-T.
Identifiers: ClinVar variation 683307 (VCV000683307.2), dbSNP rs146612691, ClinGen allele CA13643240.

ClinVar aggregate classification (germline): Likely benign. Review status: criteria provided, multiple submitters, no conflicts (2 of 4 stars). 2 submissions from 2 submitters: Likely benign (2). Last evaluated 2018-06-16.

Allele frequency attached by ClinVar (database versions not stated): 1000 Genomes Project 0.01498; 1000 Genomes Project 30x 0.01593; TOPMed 0.02297; gnomAD 0.02357 and 0.02393; gnomAD exomes 0.02994.
gnomAD v4.1: 20,863 of 729,018 alleles (2.9%); highest among the groups gnomAD compares: Non-Finnish European, 3.6%; 415 homozygotes.

Submissions (2):

GeneDx
Classification: Likely benign. Last evaluated: 2018-06-16. Review status: criteria provided, single submitter. Criteria: GeneDx Variant Classification (06012015). Collection method: clinical testing. Allele origin: germline. Affected: yes.
Comment: This variant is considered likely benign or benign based on one or more of the following criteria: it is a conservative change, it occurs at a poorly conserved position in the protein, it is predicted to be benign by multiple in silico algorithms, and/or has population frequency not consistent with disease.

Breakthrough Genomics
Classification: Likely benign. Review status: criteria provided, single submitter. Criteria: ACMG Guidelines, 2015. Collection method: not provided. Allele origin: germline. Inheritance: Autosomal recessive inheritance. Affected: yes.